The following is an entry in ClinVar:

ClinVar aggregate classification (germline): Uncertain significance (1 of 4 stars; one submission).

Conditions:
Hereditary hyperekplexia. Identifiers: Orphanet 3197, MedGen C4084968, MONDO:0021022.

Submission:

Labcorp Genetics (formerly Invitae), Labcorp
Classification: Uncertain significance for Hereditary hyperekplexia. Last evaluated: 2022-09-21. Review status: criteria provided, single submitter. Criteria: Invitae Variant Classification Sherloc (09022015). Collection method: clinical testing. Allele origin: germline.
Comment: This variant results in a copy number gain of the genomic region encompassing exon(s) 1-2 of the GLRA1 gene. This region includes the initiator codon of the gene. This copy number gain extends beyond the assayed region for this gene and therefore may encompass additional genes. As the precise location of this event is unknown, it may be in tandem or it may be located elsewhere in the genome. This variant has not been reported in the literature in individuals affected with GLRA1-related conditions. Experimental studies and prediction algorithms are not available or were not evaluated, and the functional significance of this variant is currently unknown. In summary, the available evidence is currently insufficient to determine the role of this variant in disease. Therefore, it has been classified as a Variant of Uncertain Significance.

NC_000005.9:g.(?_151271852)_(151304110_?)dup

Gene: GLRA1 (glycine receptor alpha 1; minus strand). Cytogenetic location: 5q33.1.
Variant type: Duplication.
Identifiers: ClinVar variation 2422536 (VCV002422536.3).